The following is an entry in ClinVar:

NM_015443.4(KANSL1):c.2648A>G (p.Lys883Arg)

Gene: KANSL1 (KAT8 regulatory NSL complex subunit 1). Cytogenetic location: 17q21.31.
Variant type: single nucleotide variant.
Coding change: c.2648A>G on transcript NM_015443.4 (MANE Select); coding-DNA position 2648, A replaced by G.
Protein change: p.Lys883Arg; replaces lysine 883 with arginine.
Molecular consequence: missense variant.
Genome position (GRCh38, 1-based): chr17:46,034,179, T>C on the plus strand (A>G on the coding strand, the complement: KANSL1 is on the minus strand). VCF-style: chr17-46034179-T-C. GRCh37 (hg19) VCF-style: chr17-44111545-T-C.
Other names: c.2459A>G, p.Lys820Arg (NM_001405875.1, NM_001405876.1, NM_001405877.1 and 1 more transcripts); c.2456A>G, p.Lys819Arg (NM_001405879.1, NM_001405880.1); c.2543A>G, p.Lys848Arg (NM_001405881.1, NM_001405861.1); c.1382A>G, p.Lys461Arg (NM_001405882.1); c.1379A>G, p.Lys460Arg (NM_001405883.1); c.1193A>G, p.Lys398Arg (NM_001405884.1); c.2645A>G, p.Lys882Arg (NM_001193465.2, NM_001405856.1, NM_001405857.1 and 1 more transcripts); c.2648A>G, p.Lys883Arg (NM_001193466.2, NM_001379198.1, NM_001405854.1 and 4 more transcripts); and 2 more; short protein forms K397R, K819R, K820R, K460R, K883R, K461R, K849R, K398R.
Identifiers: ClinVar variation 2007376 (VCV002007376.4), dbSNP rs2510405581, ClinGen allele CA399989000.
Genomic context (GRCh38, chr17:46,034,179, plus strand): 5'-CAGGAAGAATGGGGAGAGGAGCCAACTATTCTGAGCTTCTACCTGGGCGTAAGGATTTCC[T>C]TGTATTGCAGTTTCTCTACGCGAGTTGTTGCAGCAACAGACATTGGGATGACAATGTTGT-3'
Protein context (NP_056258.1, residues 873-893): ATTRVEKLQY[Lys883Arg]EILTPSWREV

ClinVar aggregate classification (germline): Uncertain significance (1 of 4 stars; one submission).

Conditions:
Koolen-de Vries syndrome (KDVS). Identifiers: Orphanet 96169, MedGen C1864871, MONDO:0012496, OMIM 610443.

Submission:

Labcorp Genetics (formerly Invitae), Labcorp
Classification: Uncertain significance for Koolen-de Vries syndrome. Last evaluated: 2022-06-25. Review status: criteria provided, single submitter. Criteria: Invitae Variant Classification Sherloc (09022015). Collection method: clinical testing. Allele origin: germline.
Comment: In summary, the available evidence is currently insufficient to determine the role of this variant in disease. Therefore, it has been classified as a Variant of Uncertain Significance. Algorithms developed to predict the effect of sequence changes on RNA splicing suggest that this variant may disrupt the consensus splice site. Algorithms developed to predict the effect of missense changes on protein structure and function are either unavailable or do not agree on the potential impact of this missense change (SIFT: "Tolerated"; PolyPhen-2: "Possibly Damaging"; Align-GVGD: "Class C0"). This variant has not been reported in the literature in individuals affected with KANSL1-related conditions. This variant is not present in population databases (gnomAD no frequency). This sequence change replaces lysine, which is basic and polar, with arginine, which is basic and polar, at codon 883 of the KANSL1 protein (p.Lys883Arg).